The following is an entry in ClinVar:

NM_005120.3(MED12):c.1956C>G (p.Ser652Arg)

Gene: MED12 (mediator complex subunit 12; plus strand). Cytogenetic location: Xq13.1.
Variant type: single nucleotide variant.
Coding change: c.1956C>G on transcript NM_005120.3 (MANE Select); coding-DNA position 1956, C replaced by G.
Protein change: p.Ser652Arg; replaces serine 652 with arginine.
Molecular consequence: missense variant.
Genome position (GRCh38, 1-based): chrX:71,124,370, C>G. VCF-style: chrX-71124370-C-G. GRCh37 (hg19) VCF-style: chrX-70344220-C-G.
Other names: short protein forms S652R.
Identifiers: ClinVar variation 3675893 (VCV003675893.2).

ClinVar aggregate classification (germline): Uncertain significance (1 of 4 stars; one submission).

Conditions:
FG syndrome (FGS). Identifiers: MedGen C0220769, MONDO:0002010.

gnomAD v4.1: 1 of 1,202,788 alleles (0.000083%); highest among the groups gnomAD compares: Non-Finnish European, 0.00011%; no homozygotes.

Submission:

Labcorp Genetics (formerly Invitae), Labcorp
Classification: Uncertain significance for FG syndrome. Last evaluated: 2024-10-08. Review status: criteria provided, single submitter. Criteria: Invitae Variant Classification Sherloc (09022015). Collection method: clinical testing. Allele origin: germline.
Comment: This sequence change replaces serine, which is neutral and polar, with arginine, which is basic and polar, at codon 652 of the MED12 protein (p.Ser652Arg). This variant is not present in population databases (gnomAD no frequency). This variant has not been reported in the literature in individuals affected with MED12-related conditions. Invitae Evidence Modeling of protein sequence and biophysical properties (such as structural, functional, and spatial information, amino acid conservation, physicochemical variation, residue mobility, and thermodynamic stability) indicates that this missense variant is not expected to disrupt MED12 protein function with a negative predictive value of 95%. In summary, the available evidence is currently insufficient to determine the role of this variant in disease. Therefore, it has been classified as a Variant of Uncertain Significance.